The following is an entry in ClinVar:

NC_000012.11:g.(?_52306259)_(52310037_?)dup

Gene: ACVRL1 (activin A receptor like type 1; plus strand). Cytogenetic location: 12q13.13.
Variant type: Duplication.
Identifiers: ClinVar variation 2422146 (VCV002422146.4).

ClinVar aggregate classification (germline): Uncertain significance (1 of 4 stars; one submission).

Conditions:
Telangiectasia, hereditary hemorrhagic, type 2 (HHT2). Also called: ACVRL1-Related Hereditary Hemorrhagic Telangiectasia; Telangiectasia, hereditary hemorrhagic, type II. Identifiers: Orphanet 774, MedGen C1838163, MONDO:0010880, OMIM 600376. Disease mechanism: loss of function.

Submission:

Labcorp Genetics (formerly Invitae), Labcorp
Classification: Uncertain significance for Telangiectasia, hereditary hemorrhagic, type 2. Last evaluated: 2022-07-14. Review status: criteria provided, single submitter. Criteria: Invitae Variant Classification Sherloc (09022015). Collection method: clinical testing. Allele origin: germline.
Comment: In summary, the available evidence is currently insufficient to determine the role of this variant in disease. Therefore, it has been classified as a Variant of Uncertain Significance. Experimental studies and prediction algorithms are not available or were not evaluated, and the functional significance of this variant is currently unknown. This variant has not been reported in the literature in individuals affected with ACVRL1-related conditions. This variant results in a copy number gain of the genomic region encompassing exon(s) 2-8 of the ACVRL1 gene. This region includes the initiator codon of the gene. This copy number gain extends beyond the assayed region for this gene and therefore may encompass additional genes. As the precise location of this event is unknown, it may be in tandem or it may be located elsewhere in the genome.